The following is an entry in ClinVar:

NM_002184.4(IL6ST):c.93C>G (p.Ile31Met)

Gene: IL6ST (interleukin 6 cytokine family signal transducer; minus strand). Cytogenetic location: 5q11.2.
Variant type: single nucleotide variant.
Coding change: c.93C>G on transcript NM_002184.4 (MANE Select); coding-DNA position 93, C replaced by G.
Protein change: p.Ile31Met; replaces isoleucine 31 with methionine.
Molecular consequence: missense variant. On other transcripts: 5 prime UTR variant (3), non-coding transcript variant (2).
Genome position (GRCh38, 1-based): chr5:55,969,827, G>C on the plus strand (C>G on the coding strand, the complement: IL6ST is on the minus strand). VCF-style: chr5-55969827-G-C. GRCh37 (hg19) VCF-style: chr5-55265655-G-C.
Other names: c.93C>G, p.Ile31Met (NM_001190981.2, NM_001364275.2, NM_001364276.2 and 1 more transcripts); c.-700C>G (NM_001364277.2, NM_001364279.2); c.-690C>G (NM_001364278.2); short protein forms I31M.
Identifiers: ClinVar variation 2985433 (VCV002985433.3), dbSNP rs1408498223, ClinGen allele CA359771046.
Genomic context (GRCh38, chr5:55,969,827, plus strand): 5'-CTTTAGCACACAAACTGCAGTGAAATTAGAATGAAGTTGTACAACTGGAGATTCAGGACT[G>C]ATATAACCACATGGATCTAGAAGTTCACCTAAAAAGGAACAATAGAAAATATATAAATGG-3'
Protein context (NP_002175.2, residues 21-41): TGELLDPCGY[Ile31Met]SPESPVVQLH

ClinVar aggregate classification (germline): Uncertain significance (1 of 4 stars; one submission).

Allele frequency attached by ClinVar (database versions not stated): gnomAD 0.00001.

Submission:

Labcorp Genetics (formerly Invitae), Labcorp
Classification: Uncertain significance. Last evaluated: 2024-01-04. Review status: criteria provided, single submitter. Criteria: Invitae Variant Classification Sherloc (09022015). Collection method: clinical testing. Allele origin: germline.
Comment: This sequence change replaces isoleucine, which is neutral and non-polar, with methionine, which is neutral and non-polar, at codon 31 of the IL6ST protein (p.Ile31Met). This variant is present in population databases (no rsID available, gnomAD 0.006%). This variant has not been reported in the literature in individuals affected with IL6ST-related conditions. An algorithm developed to predict the effect of missense changes on protein structure and function (PolyPhen-2) suggests that this variant is likely to be disruptive. In summary, the available evidence is currently insufficient to determine the role of this variant in disease. Therefore, it has been classified as a Variant of Uncertain Significance.